The following is an entry in ClinVar:

NM_001035.3(RYR2):c.10119G>A (p.Leu3373=)

Gene: RYR2 (ryanodine receptor 2; plus strand). Cytogenetic location: 1q43.
Variant type: single nucleotide variant.
Coding change: c.10119G>A on transcript NM_001035.3 (MANE Select); coding-DNA position 10119, G replaced by A.
Protein change: p.Leu3373=; no amino-acid change (leucine 3373 retained).
Molecular consequence: synonymous variant.
Genome position (GRCh38, 1-based): chr1:237,709,075, G>A. VCF-style: chr1-237709075-G-A. GRCh37 (hg19) VCF-style: chr1-237872375-G-A.
Other names: c.10119G>A (NM_001035.2).
Identifiers: ClinVar variation 927437 (VCV000927437.51), dbSNP rs1363597090, ClinGen allele CA424032379.

ClinVar aggregate classification (germline): Likely benign. Review status: criteria provided, multiple submitters, no conflicts (2 of 4 stars). 3 submissions from 3 submitters: Likely benign (3). Last evaluated 2025-09-17.

Conditions:
Catecholaminergic polymorphic ventricular tachycardia 1. Also called: VENTRICULAR TACHYCARDIA, CATECHOLAMINERGIC POLYMORPHIC, 1, WITH OR WITHOUT ATRIAL DYSFUNCTION AND/OR DILATED CARDIOMYOPATHY; VENTRICULAR TACHYCARDIA, STRESS-INDUCED POLYMORPHIC 1; RYR2-Related Catecholaminergic Polymorphic Ventricular Tachycardia. Identifiers: Orphanet 3286, MedGen C1631597, MONDO:0011484, OMIM 604772.
Cardiomyopathy (CMYO). Also called: Cardiomyopathies. Identifiers: Orphanet 167848, MedGen C0878544, MONDO:0004994, HP:0001638. Inheritance: Various modes of inheritance.

Allele frequency attached by ClinVar (database versions not stated): gnomAD exomes below 0.00001; gnomAD 0.00001.
gnomAD v4.1: 6 of 1,590,722 alleles (0.00038%); highest among the groups gnomAD compares: African/African-American, 0.0014%; no homozygotes.

Submissions (3):

Labcorp Genetics (formerly Invitae), Labcorp
Classification: Likely benign for Catecholaminergic polymorphic ventricular tachycardia 1. Last evaluated: 2025-09-17. Review status: criteria provided, single submitter. Criteria: Invitae Variant Classification Sherloc (09022015). Collection method: clinical testing. Allele origin: germline.

Molecular Diagnostic Laboratory for Inherited Cardiovascular Disease, Montreal Heart Institute
Classification: Likely benign. Last evaluated: 2025-07-24. Review status: criteria provided, single submitter. Criteria: ACMG Guidelines, 2015. Collection method: clinical testing. Allele origin: germline. Affected: no.
Comment: BP7

Color Diagnostics, LLC DBA Color Health
Classification: Likely benign for Cardiomyopathy. Last evaluated: 2018-10-21. Review status: criteria provided, single submitter. Criteria: ACMG Guidelines, 2015. Collection method: clinical testing. Allele origin: germline.